The following is an entry in ClinVar:

ClinVar aggregate classification (germline): Pathogenic (1 of 4 stars; one submission).

Conditions:
Juvenile polyposis syndrome (JPS). Identifiers: Orphanet 2929, MedGen C0345893, MONDO:0017380, OMIM 174900.

Submission:

Myriad Genetics, Inc.
Classification: Pathogenic for Juvenile polyposis syndrome. Last evaluated: 2024-03-01. Review status: criteria provided, single submitter. Criteria: Myriad Autosomal Dominant, Autosomal Recessive and X-Linked Classification Criteria (2023). Collection method: clinical testing. Allele origin: unknown.
Comment: This variant is considered pathogenic. This variant creates a frameshift predicted to result in premature protein truncation.

NM_004329.3(BMPR1A):c.1238del (p.Leu413fs)

Gene: BMPR1A (bone morphogenetic protein receptor type 1A; plus strand). Cytogenetic location: 10q23.2.
Variant type: Deletion.
Coding change: c.1238del on transcript NM_004329.3 (MANE Select); coding-DNA position 1238, one base deleted (T; older notation c.1238delT).
Protein change: p.Leu413fs; shifts the reading frame from leucine 413.
Molecular consequence: frameshift variant. On other transcripts: non-coding transcript variant (3).
Genome position (GRCh38, 1-based): chr10:86,921,591, T deleted. VCF-style (leftmost placement, unchanged base first): chr10-86921590-CT-C. GRCh37 (hg19) VCF-style: chr10-88681347-CT-C.
Other names: c.1313del, p.Leu438fs (NM_001406559.1); c.1286del, p.Leu429fs (NM_001406560.1); c.1238del, p.Leu413fs (NM_001406561.1, NM_001406562.1, NM_001406563.1 and 19 more transcripts); c.1232del, p.Leu411fs (NM_001406583.1); c.1154del, p.Leu385fs (NM_001406584.1, NM_001406585.1, NM_001406586.1 and 2 more transcripts); c.896del, p.Leu299fs (NM_001406589.1); short protein forms L385fs, L429fs, L438fs, L411fs, L299fs, L413fs.
Identifiers: ClinVar variation 3148713 (VCV003148713.1), dbSNP rs2539636676, ClinGen allele CA2825001722.
Genomic context (GRCh38, chr10:86,921,590, plus strand): 5'-GAAGTTGATGTGCCCTTGAATACCAGGGTGGGCACCAAACGCTACATGGCTCCCGAAGTG[CT>C]GGACGAAAGCCTGAACAAAAACCACTTCCAGCCCTACATCATGGCTGACATCTACAGCTT-3'